The following is an entry in ClinVar:

NM_182919.4(TICAM1):c.1832G>T (p.Gly611Val)

Gene: TICAM1 (TIR domain containing adaptor molecule 1; minus strand). Cytogenetic location: 19p13.3.
Variant type: single nucleotide variant.
Coding change: c.1832G>T on transcript NM_182919.4 (MANE Select); coding-DNA position 1832, G replaced by T.
Protein change: p.Gly611Val; replaces glycine 611 with valine.
Molecular consequence: missense variant.
Genome position (GRCh38, 1-based): chr19:4,816,546, C>A on the plus strand (G>T on the coding strand, the complement: TICAM1 is on the minus strand). VCF-style: chr19-4816546-C-A. GRCh37 (hg19) VCF-style: chr19-4816558-C-A.
Other names: c.1790G>T, p.Gly597Val (NM_001385678.1); c.1697G>T, p.Gly566Val (NM_001385679.1); c.1190G>T, p.Gly397Val (NM_001385680.1); short protein forms G611V, G566V, G597V, G397V.
Identifiers: ClinVar variation 2120972 (VCV002120972.1), dbSNP rs781426719, ClinGen allele CA403488726.
Genomic context (GRCh38, chr19:4,816,546, plus strand): 5'-GGCGGCTGCGGGCACCCCGGCCAAGTGGGAAAGGGTGGCGGGGCTCCCAGGGGCACCTGG[C>A]CCCCAAAGGGCATTCGAGCCCCATAGGGCGCCCCAGTCCCAAATGACATGTGGCTCCCAA-3'
Protein context (NP_891549.1, residues 601-621): APYGARMPFG[Gly611Val]QVPLGAPPPF

ClinVar aggregate classification (germline): Uncertain significance (1 of 4 stars; one submission).

Conditions:
Encephalopathy, acute, infection-induced (herpes-specific), susceptibility to, 6. Also called: Herpes simplex encephalitis, susceptibility to, 4. Identifiers: Orphanet 1930, MedGen C3553869, MONDO:0013921, OMIM 614850.

gnomAD v4.1: 1 of 1,605,488 alleles (0.000062%); highest among the groups gnomAD compares: Non-Finnish European, 0.000085%; no homozygotes.

Submission:

Labcorp Genetics (formerly Invitae), Labcorp
Classification: Uncertain significance for Encephalopathy, acute, infection-induced (herpes-specific), susceptibility to, 6. Last evaluated: 2022-07-03. Review status: criteria provided, single submitter. Criteria: Invitae Variant Classification Sherloc (09022015). Collection method: clinical testing. Allele origin: germline.
Comment: This sequence change replaces glycine, which is neutral and non-polar, with valine, which is neutral and non-polar, at codon 611 of the TICAM1 protein (p.Gly611Val). The frequency data for this variant in the population databases is considered unreliable, as metrics indicate poor data quality at this position in the gnomAD database. This variant has not been reported in the literature in individuals affected with TICAM1-related conditions. Algorithms developed to predict the effect of missense changes on protein structure and function output the following: SIFT: "Deleterious"; PolyPhen-2: "Benign"; Align-GVGD: "Class C0". The valine amino acid residue is found in multiple mammalian species, which suggests that this missense change does not adversely affect protein function. In summary, the available evidence is currently insufficient to determine the role of this variant in disease. Therefore, it has been classified as a Variant of Uncertain Significance.